The following is an entry in ClinVar:

ClinVar aggregate classification (germline): Pathogenic. Review status: criteria provided, multiple submitters, no conflicts (2 of 4 stars). 5 submissions from 5 submitters: Pathogenic (5). Last evaluated 2025-06-17.

Conditions:
Cardiovascular phenotype. Identifiers: MedGen CN230736.
Arrhythmogenic right ventricular cardiomyopathy (ARVD). Also called: Arrhythmogenic right ventricular dysplasia; Arrhythmogenic cardiomyopathy; Arrhythmogenic Right Ventricular Cardiomyopathy (ARVC); Cardiomyopathy, ARVC. Identifiers: Orphanet 247, MedGen C0349788, MeSH D019571, MONDO:0016587. Disease mechanism: loss of function. Inheritance: Various modes of inheritance.
Arrhythmogenic cardiomyopathy with wooly hair and keratoderma. Also called: Carvajal syndrome; PALMOPLANTAR KERATODERMA WITH LEFT VENTRICULAR CARDIOMYOPATHY AND WOOLLY HAIR; Arrhythmogenic cardiomyopathy with woolly hair and keratoderma; Dilated cardiomyopathy with woolly hair and keratoderma. Identifiers: Orphanet 65282, MedGen C1854063, MONDO:0011581, OMIM 605676.
Arrhythmogenic right ventricular dysplasia 8 (ARVD8). Also called: ARRHYTHMOGENIC RIGHT VENTRICULAR DYSPLASIA, FAMILIAL, 8; ARRHYTHMOGENIC RIGHT VENTRICULAR CARDIOMYOPATHY 8; Arrhythmogenic Right Ventricular Dysplasia/Cardiomyopathy 8. Identifiers: MedGen C1843896, MONDO:0011831, OMIM 607450.
Cardiomyopathy (CMYO). Also called: Cardiomyopathies. Identifiers: Orphanet 167848, MedGen C0878544, MONDO:0004994, HP:0001638. Inheritance: Various modes of inheritance.

Submissions (5):

Dasa
Classification: Pathogenic. Last evaluated: 2025-06-17. Review status: criteria provided, single submitter. Criteria: DASA Assertion Criteria. Collection method: clinical testing. Allele origin: germline.
Comment: NM_004415.4(DSP):c.1146del (p.Phe382Leufs*11) introduces a premature termination codon predicted to result in loss of normal protein function. Loss-of-function is an established mechanism of disease for this gene. This variant has been reported in individuals with related phenotype (PMID: 32372669). The variant is present at low frequency in population datasets. Based on the available data, this variant is classified as pathogenic.

Ambry Genetics
Classification: Pathogenic for Cardiovascular phenotype. Last evaluated: 2025-01-03. Review status: criteria provided, single submitter. Criteria: Ambry Variant Classification Scheme 2023. Collection method: clinical testing. Allele origin: germline.
Comment: The c.1146delT pathogenic mutation, located in coding exon 10 of the DSP gene, results from a deletion of one nucleotide at nucleotide position 1146, causing a translational frameshift with a predicted alternate stop codon (p.F382Lfs*11). This variant was reported in individual(s) with features consistent with arrhythmogenic cardiomyopathy (Smith ED et al. Circulation, 2020 Jun;141:1872-1884; Goudal A et al. Hum Mutat, 2022 Sep;43:1333-1342). This variant is considered to be rare based on population cohorts in the Genome Aggregation Database (gnomAD). In addition to the clinical data presented in the literature, alterations in DSP that result in haploinsufficiency or protein truncation have been reported in patients with arrhythmogenic right ventricular cardiomyopathy (ARVC) and dilated cardiomyopathy (DCM) (Fressart V et al. Europace.2010;12(6):861-8; Elliott P et al. Circ Cardiovasc Genet. 2010;3(4):314-22; Quarta G et al. Circulation. 2011;123(23):2701-9; Garcia-Pavia P et al. Heart. 2011;97(21):1744-52; Rasmussen TB et al. Clin Genet.2013;84(1):20-30; Pugh TJ et al. Genet Med.2014;16(8):601-8). This alteration is expected to result in loss of function by premature protein truncation or nonsense-mediated mRNA decay. Based on the supporting evidence, this variant is interpreted as a disease-causing mutation.

Labcorp Genetics (formerly Invitae), Labcorp
Classification: Pathogenic for Arrhythmogenic cardiomyopathy with wooly hair and keratoderma; Arrhythmogenic right ventricular dysplasia 8. Last evaluated: 2024-07-16. Review status: criteria provided, single submitter. Criteria: Invitae Variant Classification Sherloc (09022015). Collection method: clinical testing. Allele origin: germline.
Comment: This sequence change creates a premature translational stop signal (p.Phe382Leufs*11) in the DSP gene. It is expected to result in an absent or disrupted protein product. Loss-of-function variants in DSP are known to be pathogenic (PMID: 20716751, 24503780, 25227139). This variant is not present in population databases (gnomAD no frequency). This premature translational stop signal has been observed in individual(s) with DSP-related conditions (PMID: 32372669). ClinVar contains an entry for this variant (Variation ID: 44852). Algorithms developed to predict the effect of sequence changes on RNA splicing suggest that this variant may disrupt the consensus splice site. For these reasons, this variant has been classified as Pathogenic.

Color Diagnostics, LLC DBA Color Health
Classification: Pathogenic for Cardiomyopathy. Last evaluated: 2023-05-17. Review status: criteria provided, single submitter. Criteria: ACMG Guidelines, 2015. Collection method: clinical testing. Allele origin: germline.
Comment: This variant deletes 1 nucleotide in exon 10 of the DSP gene, creating a frameshift and premature translation stop signal. This variant is expected to result in an absent or non-functional protein product. This variant has been reported in multiple individuals affected with dilated cardiomyopathy, arrhythmogenic right ventricular cardiomyopathy, or left ventricular non-compaction (PMID: 32372669, ClinVar SCV000061651.6). This variant has not been identified in the general population by the Genome Aggregation Database (gnomAD). Loss of DSP function is a known mechanism of disease. Based on the available evidence, this variant is classified as Pathogenic.

Laboratory for Molecular Medicine, Mass General Brigham Personalized Medicine
Classification: Pathogenic for Arrhythmogenic right ventricular cardiomyopathy. Last evaluated: 2019-06-21. Review status: criteria provided, single submitter. Criteria: LMM Criteria. Collection method: clinical testing. Allele origin: germline. Inheritance: Autosomal dominant inheritance. Observed: 9 variant alleles.
Comment: The p.Phe382LeufsX11 variant in DSP has been identified 7 individuals with DSP-associated cardiomyopathy (6 DCM, 1 ARVC, 1 LVNC/PVCs) including 1 obligate carrier, from 1 family. Two of these individuals had childhood onset disease and carried an additional variant of uncertain significance in DSP in trans (p.Arg315Cys; LMM data).The p.Phe382LeufsX11 variant was absent from large population studies. This frameshift variant is predicted to alter the proteinâ€™s amino acid sequence beginning at position 382 and lead to a premature termination codon 11 amino acids downstream. This alteration is then predicted to lead to a truncated or absent protein. Loss of function of the DSP gene is an established disease mechanism in autosomal dominant ARVC and autosomal recessive Carvajal syndrome. In summary, although additional studies are required to fully establish its clinical significance, this variant meets criteria to be classified as likely pathogenic for autosomal dominant ARVC (which can present with DCM), and autosomal recessive Carvajal syndrome. ACMG/AMP Criteria applied: PVS1, PM2, PP1_Moderate.

Literature cited by the submitters: PubMed 32372669 (cited by 4 submitters); PubMed 35819174 (cited by Ambry Genetics); PubMed 20716751 (cited by Labcorp Genetics (formerly Invitae), Labcorp); PubMed 24503780 (cited by Labcorp Genetics (formerly Invitae), Labcorp); PubMed 25227139 (cited by Labcorp Genetics (formerly Invitae), Labcorp).

NM_004415.4(DSP):c.1146del (p.Phe382fs)

Gene: DSP (desmoplakin; plus strand). Cytogenetic location: 6p24.3.
Variant type: Deletion.
Coding change: c.1146del on transcript NM_004415.4 (MANE Select); coding-DNA position 1146, one base deleted (T; older notation c.1146delT).
Protein change: p.Phe382fs; shifts the reading frame from phenylalanine 382.
Molecular consequence: frameshift variant.
Genome position (GRCh38, 1-based): chr6:7,567,786, T deleted; the last of 6 consecutive T bases (chr6:7,567,781-7,567,786); deleting any one gives the same sequence. VCF-style (leftmost placement, unchanged base first): chr6-7567780-GT-G. GRCh37 (hg19) VCF-style: chr6-7568013-GT-G.
Other names: c.1146del (LRG_423t1); c.1146del, p.Phe382fs (NM_001008844.3, NM_001319034.2); short protein forms F382fs.
Identifiers: ClinVar variation 44852 (VCV000044852.14), dbSNP rs397516913, ClinGen allele CA004800.